The following is an entry in ClinVar:

ClinVar aggregate classification (germline): Conflicting classifications of pathogenicity. Review status: criteria provided, conflicting classifications (1 of 4 stars). 3 submissions from 3 submitters: Uncertain significance (1); Likely benign (2). Last evaluated 2026-01-19.

Conditions:
Finnish congenital nephrotic syndrome (NPHS1). Also called: NEPHROTIC SYNDROME, TYPE 1. Identifiers: Orphanet 839, MedGen C0403399, MONDO:0009732, OMIM 256300.

Allele frequency attached by ClinVar (database versions not stated): TOPMed below 0.00001.
gnomAD v4.1: 16 of 1,613,550 alleles (0.00099%); highest among the groups gnomAD compares: East Asian, 0.0022%; no homozygotes.

Submissions (3):

Labcorp Genetics (formerly Invitae), Labcorp
Classification: Likely benign. Last evaluated: 2026-01-19. Review status: criteria provided, single submitter. Criteria: Invitae Variant Classification Sherloc (09022015). Collection method: clinical testing. Allele origin: germline.

CeGaT Center for Human Genetics Tuebingen
Classification: Uncertain significance. Last evaluated: 2023-03-01. Review status: criteria provided, single submitter. Criteria: CeGaT Center For Human Genetics Tuebingen Variant Classification Criteria Version 2. Collection method: clinical testing. Allele origin: germline. Affected: yes. Observed: 1 variant allele.
Comment: NPHS1: PM2, BP4

Fulgent Genetics
Classification: Likely benign for Finnish congenital nephrotic syndrome. Last evaluated: 2021-09-13. Review status: criteria provided, single submitter. Criteria: ACMG Guidelines, 2015. Collection method: clinical testing. Allele origin: unknown.

NM_004646.4(NPHS1):c.2072-5C>T

Gene: NPHS1 (NPHS1 adhesion molecule, nephrin; minus strand). Cytogenetic location: 19q13.12.
Variant type: single nucleotide variant.
Coding change: c.2072-5C>T on transcript NM_004646.4 (MANE Select); 5 bases into the intron before coding-DNA position 2072, C replaced by T.
Molecular consequence: intron variant.
Genome position (GRCh38, 1-based): chr19:35,844,248, G>A on the plus strand (C>T on the coding strand, the complement: NPHS1 is on the minus strand). VCF-style: chr19-35844248-G-A. GRCh37 (hg19) VCF-style: chr19-36335150-G-A.
Identifiers: ClinVar variation 1143736 (VCV001143736.33), dbSNP rs1973103431, ClinGen allele CA2333848378.